The following is an entry in ClinVar:

ClinVar aggregate classification (germline): Benign/Likely benign. Review status: criteria provided, multiple submitters, no conflicts (2 of 4 stars). 5 submissions from 5 submitters: Benign (1); Likely benign (4). Last evaluated 2026-08-05.

Conditions:
Hereditary pheochromocytoma and paraganglioma. Also called: Hereditary paragangliomas and pheochromocytomas; Hereditary Paraganglioma-Pheochromocytoma Syndromes; Hereditary pheochromocytoma-paraganglioma. Identifiers: Orphanet 29072, MedGen C4274332, MONDO:0017366.
Pheochromocytoma/paraganglioma syndrome 2. Also called: SDHAF2-Related Hereditary Paraganglioma-Pheochromocytoma Syndrome; GLOMUS TUMORS, FAMILIAL, 2; Paragangliomas 2; SDHAF2-Related Hereditary Paraganglioma-Pheochromocytoma Syndrome (Paragangliomas 2). Identifiers: Orphanet 29072, MedGen C1866552, MONDO:0011121, OMIM 601650.
Hereditary cancer-predisposing syndrome. Also called: Hereditary Cancer Syndrome; Hereditary neoplastic syndrome; Neoplastic Syndromes, Hereditary; Tumor predisposition. Identifiers: Orphanet 140162, MedGen C0027672, MeSH D009386, MONDO:0015356.

Allele frequency attached by ClinVar (database versions not stated): ExAC 0.00002; gnomAD exomes 0.00001 and below 0.00001.

Submissions (5):

Myriad Genetics, Inc.
Classification: Benign for Pheochromocytoma/paraganglioma syndrome 2. Last evaluated: 2026-08-05. Review status: criteria provided, single submitter. Criteria: Myriad Autosomal Dominant, Autosomal Recessive and X-Linked Classification Criteria (2023). Collection method: clinical testing. Allele origin: unknown.
Comment: This variant is considered benign. This variant is a silent/synonymous amino acid change and it is not expected to impact splicing.

Labcorp Genetics (formerly Invitae), Labcorp
Classification: Likely benign for Hereditary pheochromocytoma and paraganglioma. Last evaluated: 2025-11-24. Review status: criteria provided, single submitter. Criteria: Invitae Variant Classification Sherloc (09022015). Collection method: clinical testing. Allele origin: germline.

Quest Diagnostics Nichols Institute San Juan Capistrano
Classification: Likely benign. Last evaluated: 2025-05-23. Review status: criteria provided, single submitter. Criteria: Quest Diagnostics criteria. Collection method: clinical testing. Allele origin: unknown.

CeGaT Center for Human Genetics Tuebingen
Classification: Likely benign. Last evaluated: 2023-03-01. Review status: criteria provided, single submitter. Criteria: CeGaT Center For Human Genetics Tuebingen Variant Classification Criteria Version 2. Collection method: clinical testing. Allele origin: germline. Affected: yes. Observed: 1 variant allele.
Comment: SDHAF2: BP4, BP7

Ambry Genetics
Classification: Likely benign for Hereditary cancer-predisposing syndrome. Last evaluated: 2020-08-06. Review status: criteria provided, single submitter. Criteria: Ambry Variant Classification Scheme 2023. Collection method: clinical testing. Allele origin: germline.

NM_017841.4(SDHAF2):c.207C>T (p.Arg69=)

Gene: SDHAF2 (succinate dehydrogenase complex assembly factor 2; plus strand). Cytogenetic location: 11q12.2.
Variant type: single nucleotide variant.
Coding change: c.207C>T on transcript NM_017841.4 (MANE Select); coding-DNA position 207, C replaced by T.
Protein change: p.Arg69=; no amino-acid change (arginine 69 retained).
Molecular consequence: synonymous variant.
Genome position (GRCh38, 1-based): chr11:61,437,795, C>T. VCF-style: chr11-61437795-C-T. GRCh37 (hg19) VCF-style: chr11-61205267-C-T.
Identifiers: ClinVar variation 1081808 (VCV001081808.36), dbSNP rs756825771, ClinGen allele CA057967.